The following is an entry in ClinVar:

NM_181882.3(PRX):c.892C>T (p.Pro298Ser)

Gene: PRX (periaxin; minus strand). Cytogenetic location: 19q13.2.
Variant type: single nucleotide variant.
Coding change: c.892C>T on transcript NM_181882.3 (MANE Select); coding-DNA position 892, C replaced by T.
Protein change: p.Pro298Ser; replaces proline 298 with serine.
Molecular consequence: missense variant. On other transcripts: 3 prime UTR variant (1).
Genome position (GRCh38, 1-based): chr19:40,397,460, G>A on the plus strand (C>T on the coding strand, the complement: PRX is on the minus strand). VCF-style: chr19-40397460-G-A. GRCh37 (hg19) VCF-style: chr19-40903367-G-A.
Other names: c.*1097C>T (NM_020956.2); short protein forms P298S.
Identifiers: ClinVar variation 418427 (VCV000418427.30), dbSNP rs185112635, ClinGen allele CA9444362.
Genomic context (GRCh38, chr19:40,397,460, plus strand): 5'-CCCCTTCCCGGGTCTCTAGGCAGGGAAGTGTGGGCAGAGTGGGCAGTGAGGGCAAGGCAG[G>A]CAGCTCCACCTGGGGGACCTGGATTCCCACGGCTGGGGCCTCCACAGCAGGCGGAGCCGG-3'
Protein context (NP_870998.2, residues 288-308): VGIQVPQVEL[Pro298Ser]ALPSLPTLPT

ClinVar aggregate classification (germline): Conflicting classifications of pathogenicity. Review status: criteria provided, conflicting classifications (1 of 4 stars). 5 submissions from 5 submitters: Uncertain significance (1); Benign (1); Likely benign (2). 1 of the submissions does not count toward it. Last evaluated 2026-02-02.

Conditions:
PRX-related disorder. Also called: PRX-related condition; PRX-Related Disorders.
Charcot-Marie-Tooth disease. Also called: Charcot-Marie-Tooth Hereditary Neuropathy; Charcot-Marie-Tooth Neuropathy. Identifiers: Orphanet 166, MedGen C0007959, MONDO:0015626.
Charcot-Marie-Tooth disease type 4. Also called: Charcot-Marie-Tooth, Type 4; Charcot-Marie-Tooth disease, type IV. Identifiers: Orphanet 64749, MedGen C4082197, MONDO:0018995.

Allele frequency attached by ClinVar (database versions not stated): gnomAD exomes 0.00023 and 0.00060; ExAC 0.00145; 1000 Genomes Project 0.00180; 1000 Genomes Project 30x 0.00203; gnomAD 0.00244 and 0.00262; ESP Exome Variant Server 0.00252; TOPMed 0.00261.
gnomAD v4.1: 725 of 1,583,692 alleles (0.046%); highest among the groups gnomAD compares: African/African-American, 0.81%; 6 homozygotes.

Submissions (5):

Labcorp Genetics (formerly Invitae), Labcorp
Classification: Benign for Charcot-Marie-Tooth disease type 4. Last evaluated: 2026-02-02. Review status: criteria provided, single submitter. Criteria: Invitae Variant Classification Sherloc (09022015). Collection method: clinical testing. Allele origin: germline.

CeGaT Center for Human Genetics Tuebingen
Classification: Likely benign. Last evaluated: 2024-12-01. Review status: criteria provided, single submitter. Criteria: CeGaT Center For Human Genetics Tuebingen Variant Classification Criteria Version 2. Collection method: clinical testing. Allele origin: germline. Affected: yes. Observed: 1 variant allele.
Comment: PRX: BS1

GeneDx
Classification: Likely benign. Last evaluated: 2020-11-10. Review status: criteria provided, single submitter. Criteria: GeneDx Variant Classification Process June 2021. Collection method: clinical testing. Allele origin: germline. Affected: yes.
Comment: This variant is associated with the following publications: (PMID: 32376792)

Molecular Genetics Laboratory, London Health Sciences Centre
Classification: Uncertain significance for Charcot-Marie-Tooth disease. Review status: criteria provided, single submitter. Criteria: ACMG Guidelines, 2015. Collection method: clinical testing. Allele origin: germline. Affected: yes.

PreventionGenetics, part of Exact Sciences
Classification: Benign for PRX-related condition. Last evaluated: 2024-03-14. Review status: no assertion criteria provided. Collection method: clinical testing. Allele origin: germline. Not counted in ClinVar's aggregate classification.
Comment: This variant is classified as benign based on ACMG/AMP sequence variant interpretation guidelines (Richards et al. 2015 PMID: 25741868, with internal and published modifications).